The following is an entry in ClinVar:

NM_001909.5(CTSD):c.*15G>A

Gene: CTSD (cathepsin D; minus strand). Cytogenetic location: 11p15.5.
Variant type: single nucleotide variant.
Coding change: c.*15G>A on transcript NM_001909.5 (MANE Select); 15 bases downstream of the stop codon, G replaced by A.
Molecular consequence: 3 prime UTR variant.
Genome position (GRCh38, 1-based): chr11:1,753,488, C>T on the plus strand (G>A on the coding strand, the complement: CTSD is on the minus strand). VCF-style: chr11-1753488-C-T. GRCh37 (hg19) VCF-style: chr11-1774718-C-T.
Identifiers: ClinVar variation 379318 (VCV000379318.2), dbSNP rs745784791, ClinGen allele CA5813859.
Genomic context (GRCh38, chr11:1,753,488, plus strand): 5'-GGGGCCGCTGGGCCAGGGGCCTCCTGCTCTGGGACTCTCCTCTGTTTCTGTGCTGGCGCG[C>T]GGACGCCTTGGGAACTAGAGGCGGGCAGCCTCGGCGAAGCCCACCCTGTTGTTGTCACGG-3'

ClinVar aggregate classification (germline): Likely benign. Review status: criteria provided, multiple submitters, no conflicts (2 of 4 stars). 2 submissions from 2 submitters: Likely benign (2). Last evaluated 2024-06-14.

Allele frequency attached by ClinVar (database versions not stated): TOPMed 0.00006; ExAC 0.00014.
gnomAD v4.1: 79 of 1,612,754 alleles (0.0049%); highest among the groups gnomAD compares: Admixed American, 0.062%; no homozygotes.

Submissions (2):

Blueprint Genetics
Classification: Likely benign. Last evaluated: 2024-06-14. Review status: criteria provided, single submitter. Criteria: ACMG Guidelines, 2015. Collection method: clinical testing. Allele origin: germline.

GeneDx
Classification: Likely benign. Last evaluated: 2016-11-10. Review status: criteria provided, single submitter. Criteria: GeneDx Variant Classification (06012015). Collection method: clinical testing. Allele origin: germline. Affected: yes.
Comment: This variant is considered likely benign or benign based on one or more of the following criteria: it is a conservative change, it occurs at a poorly conserved position in the protein, it is predicted to be benign by multiple in silico algorithms, and/or has population frequency not consistent with disease.